The following is an entry in ClinVar:

ClinVar aggregate classification (germline): Uncertain significance (1 of 4 stars; one submission).

Allele frequency attached by ClinVar (database versions not stated): gnomAD exomes below 0.00001; gnomAD 0.00001.
gnomAD v4.1: 3 of 1,613,912 alleles (0.00019%); highest among the groups gnomAD compares: African/African-American, 0.0027%; no homozygotes.

Submission:

Labcorp Genetics (formerly Invitae), Labcorp
Classification: Uncertain significance. Last evaluated: 2021-09-03. Review status: criteria provided, single submitter. Criteria: Invitae Variant Classification Sherloc (09022015). Collection method: clinical testing. Allele origin: germline.
Comment: In summary, the available evidence is currently insufficient to determine the role of this variant in disease. Therefore, it has been classified as a Variant of Uncertain Significance. Algorithms developed to predict the effect of sequence changes on RNA splicing suggest that this variant may create or strengthen a splice site. Algorithms developed to predict the effect of missense changes on protein structure and function are either unavailable or do not agree on the potential impact of this missense change (SIFT: "Deleterious"; PolyPhen-2: "Benign"; Align-GVGD: "Class C0"). This variant has not been reported in the literature in individuals affected with PDE6C-related conditions. This variant is not present in population databases (ExAC no frequency). This sequence change replaces leucine with valine at codon 65 of the PDE6C protein (p.Leu65Val). The leucine residue is highly conserved and there is a small physicochemical difference between leucine and valine.

NM_006204.4(PDE6C):c.193C>G (p.Leu65Val)

Gene: PDE6C (phosphodiesterase 6C; plus strand). Cytogenetic location: 10q23.33.
Variant type: single nucleotide variant.
Coding change: c.193C>G on transcript NM_006204.4 (MANE Select); coding-DNA position 193, C replaced by G.
Protein change: p.Leu65Val; replaces leucine 65 with valine.
Molecular consequence: missense variant.
Genome position (GRCh38, 1-based): chr10:93,612,918, C>G. VCF-style: chr10-93612918-C-G. GRCh37 (hg19) VCF-style: chr10-95372675-C-G.
Other names: short protein forms L65V.
Identifiers: ClinVar variation 1477890 (VCV001477890.4), dbSNP rs1385955277, ClinGen allele CA377621803.